The following is an entry in ClinVar:

NM_032603.5(LOXL3):c.1221C>A (p.Asn407Lys)

Gene: LOXL3 (lysyl oxidase like 3; minus strand). Cytogenetic location: 2p13.1.
Variant type: single nucleotide variant.
Coding change: c.1221C>A on transcript NM_032603.5 (MANE Select); coding-DNA position 1221, C replaced by A.
Protein change: p.Asn407Lys; replaces asparagine 407 with lysine.
Molecular consequence: missense variant.
Genome position (GRCh38, 1-based): chr2:74,536,023, G>T on the plus strand (C>A on the coding strand, the complement: LOXL3 is on the minus strand). VCF-style: chr2-74536023-G-T. GRCh37 (hg19) VCF-style: chr2-74763150-G-T.
Other names: c.786C>A, p.Asn262Lys (NM_001289164.3); c.138C>A, p.Asn46Lys (NM_001289165.2); c.1221C>A (NM_032603.4); short protein forms N262K, N407K, N46K.
Identifiers: ClinVar variation 1662538 (VCV001662538.9), dbSNP rs150084938, ClinGen allele CA1728953.
Genomic context (GRCh38, chr2:74,536,023, plus strand): 5'-GAGACCTCAACCAAGGTAGAGAGGATGACTGACCCTGGTCTCTGCCCCAGTGTAAGGTAG[G>T]TTGCACCGGACCCCGGCATCCTGGCTATGTGAACAATCCTCAGCTGTGATGTTCTTGTGG-3'
Protein context (NP_115992.1, residues 397-417): SHSQDAGVRC[Asn407Lys]LPYTGAETRI

ClinVar aggregate classification (germline): Likely benign. Review status: criteria provided, multiple submitters, no conflicts (2 of 4 stars). 2 submissions from 2 submitters: Likely benign (2). Last evaluated 2025-12-04.

Conditions:
LOXL3-related disorder. Also called: LOXL3-related condition.

Allele frequency attached by ClinVar (database versions not stated): gnomAD 0.00007 and 0.00008; ESP Exome Variant Server 0.00008; TOPMed 0.00021; ExAC 0.00042; gnomAD exomes 0.00050.

Submissions (2):

Labcorp Genetics (formerly Invitae), Labcorp
Classification: Likely benign. Last evaluated: 2025-12-04. Review status: criteria provided, single submitter. Criteria: Invitae Variant Classification Sherloc (09022015). Collection method: clinical testing. Allele origin: germline.

PreventionGenetics, part of Exact Sciences
Classification: Likely benign for LOXL3-related condition. Last evaluated: 2024-10-30. Review status: criteria provided, single submitter. Criteria: ACMG Guidelines, 2015. Collection method: clinical testing. Allele origin: germline.
Comment: This variant is classified as likely benign based on ACMG/AMP sequence variant interpretation guidelines (Richards et al. 2015 PMID: 25741868, with internal and published modifications).